The following is an entry in ClinVar:

NM_000444.6(PHEX):c.1364del (p.Glu455fs)

Gene: PHEX (phosphate regulating endopeptidase X-linked; plus strand). Cytogenetic location: Xp22.11.
Variant type: Deletion.
Coding change: c.1364del on transcript NM_000444.6 (MANE Select); coding-DNA position 1364, one base deleted (A; older notation c.1364delA).
Protein change: p.Glu455fs; shifts the reading frame from glutamic acid 455.
Molecular consequence: frameshift variant.
Genome position (GRCh38, 1-based): chrX:22,133,584, A deleted. VCF-style (leftmost placement, unchanged base first): chrX-22133583-GA-G. GRCh37 (hg19) VCF-style: chrX-22151700-GA-G.
Other names: c.1364del, p.Glu455fs (NM_001282754.2); short protein forms E455fs.
Identifiers: ClinVar variation 2823267 (VCV002823267.3), dbSNP rs2518548238, ClinGen allele CA2739268141.

ClinVar aggregate classification (germline): Pathogenic (1 of 4 stars; one submission).

Submission:

Labcorp Genetics (formerly Invitae), Labcorp
Classification: Pathogenic. Last evaluated: 2022-12-22. Review status: criteria provided, single submitter. Criteria: Invitae Variant Classification Sherloc (09022015). Collection method: clinical testing. Allele origin: germline.
Comment: This sequence change creates a premature translational stop signal (p.Glu455Glyfs*28) in the PHEX gene. It is expected to result in an absent or disrupted protein product. Loss-of-function variants in PHEX are known to be pathogenic (PMID: 9097956, 9106524, 19219621). This variant is not present in population databases (gnomAD no frequency). This variant has not been reported in the literature in individuals affected with PHEX-related conditions. For these reasons, this variant has been classified as Pathogenic.

Literature cited by the submitters: PubMed 9097956; PubMed 9106524; PubMed 19219621.